The following is an entry in ClinVar:

ClinVar aggregate classification (germline): Uncertain significance. Review status: criteria provided, multiple submitters, no conflicts (2 of 4 stars). 2 submissions from 2 submitters: Uncertain significance (2). Last evaluated 2024-01-23.

Conditions:
Inborn genetic diseases. Identifiers: MedGen C0950123, MeSH D030342.

Allele frequency attached by ClinVar (database versions not stated): gnomAD 0.00003; gnomAD exomes 0.00003; TOPMed 0.00003; ESP Exome Variant Server 0.00008; ExAC 0.00010; 1000 Genomes Project 30x 0.00016; 1000 Genomes Project 0.00020.
gnomAD v4.1: 43 of 1,614,212 alleles (0.0027%); highest among the groups gnomAD compares: South Asian, 0.019%; no homozygotes.

Submissions (2):

Ambry Genetics
Classification: Uncertain significance for Inborn genetic diseases. Last evaluated: 2024-01-23. Review status: criteria provided, single submitter. Criteria: Ambry Variant Classification Scheme 2023. Collection method: clinical testing. Allele origin: germline.

Labcorp Genetics (formerly Invitae), Labcorp
Classification: Uncertain significance. Last evaluated: 2022-09-28. Review status: criteria provided, single submitter. Criteria: Invitae Variant Classification Sherloc (09022015). Collection method: clinical testing. Allele origin: germline.
Comment: This sequence change replaces arginine, which is basic and polar, with glutamine, which is neutral and polar, at codon 208 of the TGM1 protein (p.Arg208Gln). This variant is present in population databases (rs369636498, gnomAD 0.04%). This variant has not been reported in the literature in individuals affected with TGM1-related conditions. Algorithms developed to predict the effect of missense changes on protein structure and function output the following: SIFT: "Tolerated"; PolyPhen-2: "Benign"; Align-GVGD: "Class C0". The glutamine amino acid residue is found in multiple mammalian species, which suggests that this missense change does not adversely affect protein function. Algorithms developed to predict the effect of sequence changes on RNA splicing suggest that this variant may create or strengthen a splice site. In summary, the available evidence is currently insufficient to determine the role of this variant in disease. Therefore, it has been classified as a Variant of Uncertain Significance.

NM_000359.3(TGM1):c.623G>A (p.Arg208Gln)

Gene: TGM1 (transglutaminase 1; minus strand). Cytogenetic location: 14q12.
Variant type: single nucleotide variant.
Coding change: c.623G>A on transcript NM_000359.3 (MANE Select); coding-DNA position 623, G replaced by A.
Protein change: p.Arg208Gln; replaces arginine 208 with glutamine.
Molecular consequence: missense variant.
Genome position (GRCh38, 1-based): chr14:24,260,584, C>T on the plus strand (G>A on the coding strand, the complement: TGM1 is on the minus strand). VCF-style: chr14-24260584-C-T. GRCh37 (hg19) VCF-style: chr14-24729790-C-T.
Other names: c.623G>A (NM_000359.2); short protein forms R208Q.
Identifiers: ClinVar variation 2196522 (VCV002196522.2), dbSNP rs369636498, ClinGen allele CA7131347.